The following is an entry in ClinVar:

NM_001040142.2(SCN2A):c.3470C>G (p.Pro1157Arg)

Gene: SCN2A (sodium voltage-gated channel alpha subunit 2; plus strand). Cytogenetic location: 2q24.3.
Variant type: single nucleotide variant.
Coding change: c.3470C>G on transcript NM_001040142.2 (MANE Select); coding-DNA position 3470, C replaced by G.
Protein change: p.Pro1157Arg; replaces proline 1157 with arginine.
Molecular consequence: missense variant.
Genome position (GRCh38, 1-based): chr2:165,365,213, C>G. VCF-style: chr2-165365213-C-G. GRCh37 (hg19) VCF-style: chr2-166221723-C-G.
Other names: c.3470C>G, p.Pro1157Arg (NM_001040143.2, NM_001371246.1, NM_001371247.1 and 1 more transcripts); short protein forms P1157R.
Identifiers: ClinVar variation 533486 (VCV000533486.9), dbSNP rs1553589034, ClinGen allele CA349024768.
Genomic context (GRCh38, chr2:165,365,213, plus strand): 5'-CAACTAGTTCATCTGAAGGCAGCACGGTTGATATTGGAGCTCCCGCCGAGGGAGAACAGC[C>G]TGAGGTTGAACCTGAGGAATCCCTTGAACCTGAAGCCTGTTTTACAGAAGGTAAGCAAAA-3'
Protein context (NP_001035232.1, residues 1147-1167): DIGAPAEGEQ[Pro1157Arg]EVEPEESLEP

ClinVar aggregate classification (germline): Uncertain significance (1 of 4 stars; one submission).

Conditions:
Developmental and epileptic encephalopathy, 11 (DEE11). Also called: Early infantile epileptic encephalopathy 11. Identifiers: Orphanet 1934, MedGen C3150987, MONDO:0013388, OMIM 613721.
Seizures, benign familial infantile, 3 (BFIS3). Also called: CONVULSIONS, BENIGN FAMILIAL INFANTILE, 3; Familial neonatal seizures. Identifiers: Orphanet 140927, Orphanet 306, MedGen C1843140, MONDO:0011904, OMIM 607745.

Submission:

Labcorp Genetics (formerly Invitae), Labcorp
Classification: Uncertain significance for Seizures, benign familial infantile, 3; Developmental and epileptic encephalopathy, 11. Last evaluated: 2017-11-16. Review status: criteria provided, single submitter. Criteria: Invitae Variant Classification Sherloc (09022015). Collection method: clinical testing. Allele origin: germline.
Comment: In summary, the available evidence is currently insufficient to determine the role of this variant in disease. Therefore, it has been classified as a Variant of Uncertain Significance. Algorithms developed to predict the effect of sequence changes on RNA splicing suggest that this variant may create or strengthen a splice site, but this prediction has not been confirmed by published transcriptional studies. Algorithms developed to predict the effect of missense changes on protein structure and function do not agree on the potential impact of this missense change (SIFT: "Deleterious"; PolyPhen-2: "Benign"; Align-GVGD: "Class C0"). This variant has not been reported in the literature in individuals with SCN2A-related disease. This variant is not present in population databases (ExAC no frequency). This sequence change replaces proline with arginine at codon 1157 of the SCN2A protein (p.Pro1157Arg). The proline residue is highly conserved and there is a moderate physicochemical difference between proline and arginine.